The following is an entry in ClinVar:

NM_018896.5(CACNA1G):c.5251A>C (p.Met1751Leu)

Gene: CACNA1G (calcium voltage-gated channel subunit alpha1 G; plus strand). Cytogenetic location: 17q21.33.
Variant type: single nucleotide variant.
Coding change: c.5251A>C on transcript NM_018896.5 (MANE Select); coding-DNA position 5251, A replaced by C.
Protein change: p.Met1751Leu; replaces methionine 1751 with leucine.
Molecular consequence: missense variant.
Genome position (GRCh38, 1-based): chr17:50,618,072, A>C. VCF-style: chr17-50618072-A-C. GRCh37 (hg19) VCF-style: chr17-48695433-A-C.
Other names: c.5197A>C, p.Met1733Leu (NM_001256324.2, NM_198386.3); c.5272A>C, p.Met1758Leu (NM_001256325.2); c.5116A>C, p.Met1706Leu (NM_001256326.2, NM_001256330.2); c.5230A>C, p.Met1744Leu (NM_001256327.2); c.5176A>C, p.Met1726Leu (NM_001256328.2); c.5149A>C, p.Met1717Leu (NM_001256329.2, NM_198387.3, NM_198396.3 and 2 more transcripts); c.5095A>C, p.Met1699Leu (NM_001256331.2); c.5080A>C, p.Met1694Leu (NM_001256332.2); and 7 more; short protein forms M1706L, M1710L, M1715L, M1728L, M1740L, M1744L, M1699L, M1713L.
Identifiers: ClinVar variation 2222256 (VCV002222256.15), dbSNP rs367902939, ClinGen allele CA8653348.

ClinVar aggregate classification (germline): Uncertain significance. Review status: criteria provided, multiple submitters, no conflicts (2 of 4 stars). 2 submissions from 2 submitters: Uncertain significance (2). Last evaluated 2024-12-01.

Conditions:
Inborn genetic diseases. Identifiers: MedGen C0950123, MeSH D030342.

Allele frequency attached by ClinVar (database versions not stated): gnomAD 0.00001; TOPMed 0.00002.

Submissions (2):

CeGaT Center for Human Genetics Tuebingen
Classification: Uncertain significance. Last evaluated: 2024-12-01. Review status: criteria provided, single submitter. Criteria: CeGaT Center For Human Genetics Tuebingen Variant Classification Criteria Version 2. Collection method: clinical testing. Allele origin: germline. Affected: yes. Observed: 1 variant allele.
Comment: CACNA1G: PP2, PP3

Ambry Genetics
Classification: Uncertain significance for Inborn genetic diseases. Last evaluated: 2022-10-03. Review status: criteria provided, single submitter. Criteria: Ambry Variant Classification Scheme 2023. Collection method: clinical testing. Allele origin: germline.